The following is an entry in ClinVar:

ClinVar aggregate classification (germline): Uncertain significance. Review status: criteria provided, multiple submitters, no conflicts (2 of 4 stars). 2 submissions from 2 submitters: Uncertain significance (2). Last evaluated 2024-11-26.

Conditions:
ABCC6-related disorder. Also called: ABCC6-related condition.

Allele frequency attached by ClinVar (database versions not stated): ExAC 0.00001; gnomAD 0.00001.
gnomAD v4.1: 7 of 1,613,960 alleles (0.00043%); highest among the groups gnomAD compares: South Asian, 0.0022%; no homozygotes.

Submissions (2):

PreventionGenetics, part of Exact Sciences
Classification: Uncertain significance for ABCC6-related condition. Last evaluated: 2024-11-26. Review status: criteria provided, single submitter. Criteria: ACMG Guidelines, 2015. Collection method: clinical testing. Allele origin: germline.
Comment: The ABCC6 c.2023G>A variant is predicted to result in the amino acid substitution p.Ala675Thr. To our knowledge, this variant has not been reported in the literature. This variant is reported in 0.0033% of alleles in individuals of South Asian descent in gnomAD. At this time, the clinical significance of this variant is uncertain due to the absence of conclusive functional and genetic evidence.

Labcorp Genetics (formerly Invitae), Labcorp
Classification: Uncertain significance. Last evaluated: 2022-03-09. Review status: criteria provided, single submitter. Criteria: Invitae Variant Classification Sherloc (09022015). Collection method: clinical testing. Allele origin: germline.
Comment: This sequence change replaces alanine, which is neutral and non-polar, with threonine, which is neutral and polar, at codon 675 of the ABCC6 protein (p.Ala675Thr). This variant is present in population databases (rs780726064, gnomAD 0.003%). This variant has not been reported in the literature in individuals affected with ABCC6-related conditions. Advanced modeling of protein sequence and biophysical properties (such as structural, functional, and spatial information, amino acid conservation, physicochemical variation, residue mobility, and thermodynamic stability) performed at Invitae indicates that this missense variant is expected to disrupt ABCC6 protein function. In summary, the available evidence is currently insufficient to determine the role of this variant in disease. Therefore, it has been classified as a Variant of Uncertain Significance.

NM_001171.6(ABCC6):c.2023G>A (p.Ala675Thr)

Gene: ABCC6 (ATP binding cassette subfamily C member 6; minus strand). Cytogenetic location: 16p13.11.
Variant type: single nucleotide variant.
Coding change: c.2023G>A on transcript NM_001171.6 (MANE Select); coding-DNA position 2023, G replaced by A.
Protein change: p.Ala675Thr; replaces alanine 675 with threonine.
Molecular consequence: missense variant. On other transcripts: non-coding transcript variant (1).
Genome position (GRCh38, 1-based): chr16:16,182,851, C>T on the plus strand (G>A on the coding strand, the complement: ABCC6 is on the minus strand). VCF-style: chr16-16182851-C-T. GRCh37 (hg19) VCF-style: chr16-16276708-C-T.
Other names: c.2023G>A (NM_001171.5); c.1681G>A, p.Ala561Thr (NM_001351800.1); short protein forms A561T, A675T.
Identifiers: ClinVar variation 1918823 (VCV001918823.3), dbSNP rs780726064, ClinGen allele CA7926053.
Genomic context (GRCh38, chr16:16,182,851, plus strand): 5'-GGGGTGGCCTCACCTCGATGCTCACGAACCCCTCCACCTTTGACAGCTCCCCAAGGAGGG[C>T]GGACAGCAGGGAGGACTTCCCTGCCCCCACTGGACCGACAACAGCCAGCAGACAGCCCTG-3'
Protein context (NP_001162.5, residues 665-685): VGAGKSSLLS[Ala675Thr]LLGELSKVEG